The following is an entry in ClinVar:

NM_024657.5(MORC4):c.856C>T (p.Arg286Cys)

Gene: MORC4 (MORC family CW-type zinc finger 4; minus strand). Cytogenetic location: Xq22.3.
Variant type: single nucleotide variant.
Coding change: c.856C>T on transcript NM_024657.5 (MANE Select); coding-DNA position 856, C replaced by T.
Protein change: p.Arg286Cys; replaces arginine 286 with cysteine.
Molecular consequence: missense variant.
Genome position (GRCh38, 1-based): chrX:106,980,971, G>A on the plus strand (C>T on the coding strand, the complement: MORC4 is on the minus strand). VCF-style: chrX-106980971-G-A. GRCh37 (hg19) VCF-style: chrX-106224201-G-A.
Other names: c.856C>T, p.Arg286Cys (NM_001085354.3); short protein forms R286C.
Identifiers: ClinVar variation 5024667 (VCV005024667.1).

ClinVar aggregate classification (germline): Uncertain significance (1 of 4 stars; one submission).

gnomAD v4.1: 6 of 1,206,500 alleles (0.0005%); highest among the groups gnomAD compares: Non-Finnish European, 0.00067%; no homozygotes.

Submission:

Ambry Genetics
Classification: Uncertain significance. Last evaluated: 2026-07-29. Review status: criteria provided, single submitter. Criteria: Ambry Variant Classification Scheme 2023. Collection method: clinical testing. Allele origin: germline.
Comment: The c.856C>T (p.R286C) alteration is located in exon 7 (coding exon 7) of the MORC4 gene. This alteration results from a C to T substitution at nucleotide position 856, causing the arginine (R) at amino acid position 286 to be replaced by a cysteine (C). Based on data from gnomAD, the T allele has an overall frequency of 0.002% (3/183004) total alleles studied. The highest observed frequency was 0.004% (3/81707) of European (non-Finnish) alleles. Based on insufficient or conflicting evidence, the clinical significance of this alteration remains unclear.